The following is an entry in ClinVar:

NM_032043.3(BRIP1):c.263G>T (p.Cys88Phe)

Gene: BRIP1 (BRCA1 interacting DNA helicase 1; minus strand). Cytogenetic location: 17q23.2.
Variant type: single nucleotide variant.
Coding change: c.263G>T on transcript NM_032043.3 (MANE Select); coding-DNA position 263, G replaced by T.
Protein change: p.Cys88Phe; replaces cysteine 88 with phenylalanine.
Molecular consequence: missense variant.
Genome position (GRCh38, 1-based): chr17:61,857,174, C>A on the plus strand (G>T on the coding strand, the complement: BRIP1 is on the minus strand). VCF-style: chr17-61857174-C-A. GRCh37 (hg19) VCF-style: chr17-59934535-C-A.
Other names: short protein forms C88F.
Identifiers: ClinVar variation 1794178 (VCV001794178.2), dbSNP rs2078909444, ClinGen allele CA400485506.

ClinVar aggregate classification (germline): Uncertain significance (1 of 4 stars; one submission).

Conditions:
Hereditary cancer-predisposing syndrome. Also called: Tumor predisposition; Hereditary Cancer Syndrome; Neoplastic Syndromes, Hereditary; Hereditary neoplastic syndrome. Identifiers: Orphanet 140162, MedGen C0027672, MeSH D009386, MONDO:0015356.

Submission:

Ambry Genetics
Classification: Uncertain significance for Hereditary cancer-predisposing syndrome. Last evaluated: 2022-09-18. Review status: criteria provided, single submitter. Criteria: Ambry Variant Classification Scheme 2023. Collection method: clinical testing. Allele origin: germline.
Comment: The p.C88F variant (also known as c.263G>T), located in coding exon 3 of the BRIP1 gene, results from a G to T substitution at nucleotide position 263. The cysteine at codon 88 is replaced by phenylalanine, an amino acid with highly dissimilar properties. This amino acid position is conserved. In addition, the in silico prediction for this alteration is inconclusive. Since supporting evidence is limited at this time, the clinical significance of this alteration remains unclear.